The following is an entry in ClinVar:

NM_003098.3(SNTA1):c.51C>T (p.Ala17=)

Genes: SNTA1 (syntrophin alpha 1; minus strand), LOC130065680 (ATAC-STARR-seq lymphoblastoid silent region 12812; plus strand). Cytogenetic location: 20q11.21.
Variant type: single nucleotide variant.
Coding change: c.51C>T on transcript NM_003098.3 (MANE Select); coding-DNA position 51, C replaced by T.
Protein change: p.Ala17=; no amino-acid change (alanine 17 retained).
Molecular consequence: synonymous variant.
Genome position (GRCh38, 1-based): chr20:33,443,570, G>A on the plus strand (C>T on the coding strand, the complement: SNTA1 is on the minus strand). VCF-style: chr20-33443570-G-A. GRCh37 (hg19) VCF-style: chr20-32031376-G-A.
Identifiers: ClinVar variation 516868 (VCV000516868.8), dbSNP rs1221002090, ClinGen allele CA510470697.

ClinVar aggregate classification (germline): Likely benign. Review status: criteria provided, multiple submitters, no conflicts (2 of 4 stars). 3 submissions from 3 submitters: Likely benign (3). Last evaluated 2023-05-11.

Conditions:
Long QT syndrome (LQTS). Identifiers: MedGen C0023976, MeSH D008133, MONDO:0002442. Disease mechanism: loss of function. Inheritance: Various modes of inheritance.
Cardiovascular phenotype. Identifiers: MedGen CN230736.

gnomAD v4.1: 6 of 1,321,142 alleles (0.00045%); highest among the groups gnomAD compares: South Asian, 0.0018%; no homozygotes.

Submissions (3):

Labcorp Genetics (formerly Invitae), Labcorp
Classification: Likely benign for Long QT syndrome. Last evaluated: 2023-05-11. Review status: criteria provided, single submitter. Criteria: Invitae Variant Classification Sherloc (09022015). Collection method: clinical testing. Allele origin: germline.

Ambry Genetics
Classification: Likely benign for Cardiovascular phenotype. Last evaluated: 2022-10-02. Review status: criteria provided, single submitter. Criteria: Ambry Variant Classification Scheme 2023. Collection method: clinical testing. Allele origin: germline.

GeneDx
Classification: Likely benign. Last evaluated: 2017-11-09. Review status: criteria provided, single submitter. Criteria: GeneDx Variant Classification (06012015). Collection method: clinical testing. Allele origin: germline. Affected: yes.
Comment: This variant is considered likely benign or benign based on one or more of the following criteria: it is a conservative change, it occurs at a poorly conserved position in the protein, it is predicted to be benign by multiple in silico algorithms, and/or has population frequency not consistent with disease.